The following is an entry in ClinVar:

ClinVar aggregate classification (germline): Uncertain significance (1 of 4 stars; one submission).

Conditions:
Immunodeficiency, common variable, 7. Identifiers: Orphanet 1572, Orphanet 696894, MedGen C3542922, MONDO:0013862, OMIM 614699.

Submission:

Labcorp Genetics (formerly Invitae), Labcorp
Classification: Uncertain significance for Immunodeficiency, common variable, 7. Last evaluated: 2023-11-28. Review status: criteria provided, single submitter. Criteria: Invitae Variant Classification Sherloc (09022015). Collection method: clinical testing. Allele origin: germline.
Comment: This sequence change replaces tyrosine, which is neutral and polar, with phenylalanine, which is neutral and non-polar, at codon 1083 of the CR2 protein (p.Tyr1083Phe). This variant is not present in population databases (gnomAD no frequency). This variant has not been reported in the literature in individuals affected with CR2-related conditions. ClinVar contains an entry for this variant (Variation ID: 1928711). An algorithm developed to predict the effect of missense changes on protein structure and function (PolyPhen-2) suggests that this variant is likely to be disruptive. In summary, the available evidence is currently insufficient to determine the role of this variant in disease. Therefore, it has been classified as a Variant of Uncertain Significance.

NM_001006658.3(CR2):c.3248A>T (p.Tyr1083Phe)

Gene: CR2 (complement C3d receptor 2; plus strand). Cytogenetic location: 1q32.2.
Variant type: single nucleotide variant.
Coding change: c.3248A>T on transcript NM_001006658.3 (MANE Select); coding-DNA position 3248, A replaced by T.
Protein change: p.Tyr1083Phe; replaces tyrosine 1083 with phenylalanine.
Molecular consequence: missense variant.
Genome position (GRCh38, 1-based): chr1:207,485,523, A>T. VCF-style: chr1-207485523-A-T. GRCh37 (hg19) VCF-style: chr1-207658868-A-T.
Other names: c.3071A>T, p.Tyr1024Phe (NM_001877.5); short protein forms Y1024F, Y1083F.
Identifiers: ClinVar variation 1928711 (VCV001928711.5), dbSNP rs2527252290, ClinGen allele CA344543081.